The following is an entry in ClinVar:

ClinVar aggregate classification (germline): Uncertain significance (1 of 4 stars; one submission).

gnomAD v4.1: 1 of 1,613,578 alleles (0.000062%); highest among the groups gnomAD compares: Non-Finnish European, 0.000085%; no homozygotes.

Submission:

GeneDx
Classification: Uncertain significance. Last evaluated: 2025-08-06. Review status: criteria provided, single submitter. Criteria: GeneDx Variant Classification Process June 2021. Collection method: clinical testing. Allele origin: germline. Affected: yes.
Comment: Not observed at significant frequency in large population cohorts (gnomAD); In silico analysis supports that this missense variant has a deleterious effect on protein structure/function; Has not been previously published as pathogenic or benign to our knowledge

NM_003470.3(USP7):c.944G>T (p.Cys315Phe)

Gene: USP7 (ubiquitin specific peptidase 7; minus strand). Cytogenetic location: 16p13.2.
Variant type: single nucleotide variant.
Coding change: c.944G>T on transcript NM_003470.3 (MANE Select); coding-DNA position 944, G replaced by T.
Protein change: p.Cys315Phe; replaces cysteine 315 with phenylalanine.
Molecular consequence: missense variant. On other transcripts: non-coding transcript variant (1).
Genome position (GRCh38, 1-based): chr16:8,915,488, C>A on the plus strand (G>T on the coding strand, the complement: USP7 is on the minus strand). VCF-style: chr16-8915488-C-A. GRCh37 (hg19) VCF-style: chr16-9009345-C-A.
Other names: c.896G>T, p.Cys299Phe (NM_001286457.2); c.647G>T, p.Cys216Phe (NM_001286458.2); c.770G>T, p.Cys257Phe (NM_001321858.2); short protein forms C216F, C257F, C299F, C315F.
Identifiers: ClinVar variation 4755972 (VCV004755972.1).
Genomic context (GRCh38, chr16:8,915,488, plus strand): 5'-AACTGGTAGCCACATACCACCATTTTGCCGCGGAATAATTTGGGTATGGTGCCCTCTACA[C>A]AGGTGCCTTTCATCTTATTTTCCACATTATCGAGCAACTGAAAAAGAATGTTTTGGCTTT-3'
Protein context (NP_003461.2, residues 305-325): DNVENKMKGT[Cys315Phe]VEGTIPKLFR